The following is an entry in ClinVar:

ClinVar aggregate classification (germline): Benign/Likely benign. Review status: criteria provided, multiple submitters, no conflicts (2 of 4 stars). 4 submissions from 4 submitters: Benign (2); Likely benign (2). Last evaluated 2026-01-06.

Conditions:
Polysyndactyly 4. Also called: Polysyndactyly uncomplicated; Preaxial polydactyly 4. Identifiers: Orphanet 93338, MedGen C1868111, MONDO:0008272, OMIM 174700.
Polydactyly, postaxial, type A1. Identifiers: MedGen C4282400, MONDO:0008266, OMIM 174200.
Greig cephalopolysyndactyly syndrome (GCPS). Also called: GLI3-Related Greig Cephalopolysyndactyly Syndrome; POLYSYNDACTYLY WITH PECULIAR SKULL SHAPE; Greig syndrome. Identifiers: Orphanet 380, MedGen C0265306, MONDO:0008287, OMIM 175700.
Pallister-Hall syndrome (PHS). Also called: GLI3-Related Pallister-Hall Syndrome; HYPOTHALAMIC HAMARTOBLASTOMA, HYPOPITUITARISM, IMPERFORATE ANUS, AND POSTAXIAL POLYDACTYLY. Identifiers: Orphanet 672, MedGen C0265220, MONDO:0007804, OMIM 146510.

Submissions (4):

Labcorp Genetics (formerly Invitae), Labcorp
Classification: Benign for Pallister-Hall syndrome; Greig cephalopolysyndactyly syndrome. Last evaluated: 2026-01-06. Review status: criteria provided, single submitter. Criteria: Invitae Variant Classification Sherloc (09022015). Collection method: clinical testing. Allele origin: germline.

Fulgent Genetics
Classification: Likely benign for Pallister-Hall syndrome; Polydactyly, postaxial, type A1; Polysyndactyly 4; Greig cephalopolysyndactyly syndrome. Last evaluated: 2021-10-01. Review status: criteria provided, single submitter. Criteria: ACMG Guidelines, 2015. Collection method: clinical testing. Allele origin: unknown.

GeneDx
Classification: Benign. Last evaluated: 2018-04-02. Review status: criteria provided, single submitter. Criteria: GeneDx Variant Classification (06012015). Collection method: clinical testing. Allele origin: germline. Affected: yes.
Comment: This variant is considered likely benign or benign based on one or more of the following criteria: it is a conservative change, it occurs at a poorly conserved position in the protein, it is predicted to be benign by multiple in silico algorithms, and/or has population frequency not consistent with disease.

PreventionGenetics, part of Exact Sciences
Classification: Likely benign. Review status: criteria provided, single submitter. Criteria: ACMG Guidelines, 2015. Collection method: clinical testing. Allele origin: germline.

NM_000168.6(GLI3):c.1029-22dup

Gene: GLI3 (GLI family zinc finger 3; minus strand). Cytogenetic location: 7p14.1.
Variant type: Duplication.
Coding change: c.1029-22dup on transcript NM_000168.6 (MANE Select); 22 bases into the intron before coding-DNA position 1029, one base duplicated (T; older notation c.1029-22dupT).
Molecular consequence: intron variant.
Genome position (GRCh38, 1-based): chr7:42,026,428, A duplicated on the plus strand (T on the coding strand, the reverse complement: GLI3 is on the minus strand); the first of 7 consecutive A bases (chr7:42,026,428-42,026,434); duplicating any one gives the same sequence. VCF-style (leftmost placement, unchanged base first): chr7-42026427-T-TA. GRCh37 (hg19) VCF-style: chr7-42066026-T-TA.
Other names: c.1029-16dup (NM_000168.6); c.1029-16dupT (NM_000168.5).
Identifiers: ClinVar variation 255415 (VCV000255415.17), dbSNP rs559579130, ClinGen allele CA4230971.